The following is an entry in ClinVar:

ClinVar aggregate classification (germline): Benign/Likely benign. Review status: criteria provided, multiple submitters, no conflicts (2 of 4 stars). 2 submissions from 2 submitters: Benign (1); Likely benign (1). Last evaluated 2024-10-21.

Conditions:
Developmental and epileptic encephalopathy 94 (DEE94). Also called: CHD2-Related Neurodevelopmental Disorders; Epileptic encephalopathy, childhood-onset. Identifiers: Orphanet 1942, Orphanet 2382, MedGen C3809278, MONDO:0014150, OMIM 615369.

Submissions (2):

Labcorp Genetics (formerly Invitae), Labcorp
Classification: Likely benign for Developmental and epileptic encephalopathy 94. Last evaluated: 2024-10-21. Review status: criteria provided, single submitter. Criteria: Invitae Variant Classification Sherloc (09022015). Collection method: clinical testing. Allele origin: germline.

GeneDx
Classification: Benign. Last evaluated: 2023-01-06. Review status: criteria provided, single submitter. Criteria: GeneDx Variant Classification Process June 2021. Collection method: clinical testing. Allele origin: germline. Affected: yes.
Comment: See Variant Classification Assertion Criteria.

NM_001271.4(CHD2):c.5063_5064delinsAT (p.Ser1688Asn)

Gene: CHD2 (chromodomain helicase DNA binding protein 2; plus strand). Cytogenetic location: 15q26.1.
Variant type: Indel.
Coding change: c.5063_5064delinsAT on transcript NM_001271.4 (MANE Select); coding-DNA positions 5063 to 5064, GC replaced by AT.
Protein change: p.Ser1688Asn; replaces serine 1688 with asparagine.
Molecular consequence: missense variant.
Genome position (GRCh38, 1-based): chr15:93,020,168-93,020,169, GC replaced by AT. VCF-style: chr15-93020168-GC-AT. GRCh37 (hg19) VCF-style: chr15-93563398-GC-AT.
Other names: c.5063_5064delinsAT (NM_001271.3); short protein forms S1688N.
Identifiers: ClinVar variation 511149 (VCV000511149.14), dbSNP rs1555446342, ClinGen allele CA658798445.